The following is an entry in ClinVar:

ClinVar aggregate classification (germline): Benign/Likely benign. Review status: criteria provided, multiple submitters, no conflicts (2 of 4 stars). 2 submissions from 2 submitters: Benign (1); Likely benign (1). Last evaluated 2025-03-04.

Conditions:
Melanoma, cutaneous malignant, susceptibility to, 3. Also called: Cutaneous malignant melanoma 3. Identifiers: Orphanet 618, MedGen C1836892, MONDO:0012183, OMIM 609048.

Allele frequency attached by ClinVar (database versions not stated): ExAC 0.00001; gnomAD exomes 0.00001.

Submissions (2):

Center for Genomic Medicine, Rigshospitalet, Copenhagen University Hospital
Classification: Likely benign. Last evaluated: 2025-03-04. Review status: criteria provided, single submitter. Criteria: ACMG Guidelines, 2015. Collection method: clinical testing. Allele origin: germline.

Myriad Genetics, Inc.
Classification: Benign for Melanoma, cutaneous malignant, susceptibility to, 3. Last evaluated: 2024-09-24. Review status: criteria provided, single submitter. Criteria: Myriad Autosomal Dominant, Autosomal Recessive and X-Linked Classification Criteria (2023). Collection method: clinical testing. Allele origin: unknown.
Comment: This variant is considered benign. This variant is a silent/synonymous amino acid change and it is not expected to impact splicing.

NM_000075.4(CDK4):c.24A>C (p.Pro8=)

Gene: CDK4 (cyclin dependent kinase 4; minus strand). Cytogenetic location: 12q14.1.
Variant type: single nucleotide variant.
Coding change: c.24A>C on transcript NM_000075.4 (MANE Select); coding-DNA position 24, A replaced by C.
Protein change: p.Pro8=; no amino-acid change (proline 8 retained).
Molecular consequence: synonymous variant.
Genome position (GRCh38, 1-based): chr12:57,751,694, T>G on the plus strand (A>C on the coding strand, the complement: CDK4 is on the minus strand). VCF-style: chr12-57751694-T-G. GRCh37 (hg19) VCF-style: chr12-58145477-T-G.
Identifiers: ClinVar variation 1697371 (VCV001697371.8), dbSNP rs756789126, ClinGen allele CA6657891.